The following is an entry in ClinVar:

ClinVar aggregate classification (germline): Benign (1 of 4 stars; one submission).

Conditions:
Epiphyseal dysplasia, multiple, 2 (EDM2). Also called: COL9A2-Related Multiple Epiphyseal Dysplasia. Identifiers: MedGen C1838429, MONDO:0010844, OMIM 600204.

Allele frequency attached by ClinVar (database versions not stated): 1000 Genomes Project 30x 0.00312; gnomAD 0.00318 and 0.00347; 1000 Genomes Project 0.00319; TOPMed 0.00380.

Submission:

Illumina Laboratory Services, Illumina
Classification: Benign for Epiphyseal dysplasia, multiple, 2. Last evaluated: 2018-01-13. Review status: criteria provided, single submitter. Criteria: ICSL Variant Classification Criteria 13 December 2019. Collection method: clinical testing. Allele origin: germline.
Comment: This variant was observed in the ICSL laboratory as part of a predisposition screen in an ostensibly healthy population. It had not been previously curated by ICSL or reported in the Human Gene Mutation Database (HGMD: prior to June 1st, 2018), and was therefore a candidate for classification through an automated scoring system. Utilizing variant allele frequency, disease prevalence and penetrance estimates, and inheritance mode, an automated score was calculated to assess if this variant is too frequent to cause the disease. Based on the score and internal cut-off values, a variant classified as benign is not then subjected to further curation. The score for this variant resulted in a classification of benign for this disease.

NM_001852.4(COL9A2):c.*578C>T

Gene: COL9A2 (collagen type IX alpha 2 chain; minus strand). Cytogenetic location: 1p34.2.
Variant type: single nucleotide variant.
Coding change: c.*578C>T on transcript NM_001852.4 (MANE Select); 578 bases downstream of the stop codon, C replaced by T.
Molecular consequence: 3 prime UTR variant.
Genome position (GRCh38, 1-based): chr1:40,300,604, G>A on the plus strand (C>T on the coding strand, the complement: COL9A2 is on the minus strand). VCF-style: chr1-40300604-G-A. GRCh37 (hg19) VCF-style: chr1-40766276-G-A.
Identifiers: ClinVar variation 297279 (VCV000297279.5), dbSNP rs143152709, ClinGen allele CA10610181.